The following is an entry in ClinVar:

ClinVar aggregate classification (germline): Benign (0 of 4 stars; one submission).

Conditions:
CHAMP1-related disorder. Also called: CHAMP1-related condition.

Allele frequency attached by ClinVar (database versions not stated): gnomAD exomes 0.08154; ESP Exome Variant Server 0.08327; gnomAD 0.09510; ExAC 0.09903; TOPMed 0.10193; 1000 Genomes Project 0.12041; 1000 Genomes Project 30x 0.12055.
gnomAD v4.1: 133,917 of 1,613,386 alleles (8.3%); highest among the groups gnomAD compares: Admixed American, 18%; 6,368 homozygotes.

Submission:

PreventionGenetics, part of Exact Sciences
Classification: Benign for CHAMP1-related condition. Last evaluated: 2019-03-28. Review status: no assertion criteria provided. Collection method: clinical testing. Allele origin: germline.
Comment: This variant is classified as benign based on ACMG/AMP sequence variant interpretation guidelines (Richards et al. 2015 PMID: 25741868, with internal and published modifications).

NM_032436.4(CHAMP1):c.876G>A (p.Pro292=)

Gene: CHAMP1 (chromosome alignment maintaining phosphoprotein 1; plus strand). Cytogenetic location: 13q34.
Variant type: single nucleotide variant.
Coding change: c.876G>A on transcript NM_032436.4 (MANE Select); coding-DNA position 876, G replaced by A.
Protein change: p.Pro292=; no amino-acid change (proline 292 retained).
Molecular consequence: synonymous variant.
Genome position (GRCh38, 1-based): chr13:114,324,718, G>A. VCF-style: chr13-114324718-G-A. GRCh37 (hg19) VCF-style: chr13-115090193-G-A.
Other names: c.876G>A, p.Pro292= (NM_001164144.3, NM_001164145.3).
Identifiers: ClinVar variation 3059016 (VCV003059016.2), dbSNP rs3813133, ClinGen allele CA7070705.